The following is an entry in ClinVar:

NM_004360.5(CDH1):c.2526del (p.Ala843fs)

Gene: CDH1 (cadherin 1; plus strand). Cytogenetic location: 16q22.1.
Variant type: Deletion.
Coding change: c.2526del on transcript NM_004360.5 (MANE Select); coding-DNA position 2526, one base deleted (T; older notation c.2526delT).
Protein change: p.Ala843fs; shifts the reading frame from alanine 843.
Molecular consequence: frameshift variant.
Genome position (GRCh38, 1-based): chr16:68,833,376, T deleted. VCF-style (leftmost placement, unchanged base first): chr16-68833375-CT-C. GRCh37 (hg19) VCF-style: chr16-68867278-CT-C.
Other names: c.2343del, p.Ala782fs (NM_001317184.2); c.978del, p.Ala327fs (NM_001317185.2); c.561del, p.Ala188fs (NM_001317186.2); short protein forms A188fs, A327fs, A782fs, A843fs.
Identifiers: ClinVar variation 981224 (VCV000981224.2), dbSNP rs1961538047, ClinGen allele CA1139532475.
Genomic context (GRCh38, chr16:68,833,375, plus strand): 5'-CCACAGCCCCGCCTTATGATTCTCTGCTCGTGTTTGACTATGAAGGAAGCGGTTCCGAAG[CT>C]GCTAGTCTGAGCTCCCTGAACTCCTCAGAGTCAGACAAAGACCAGGACTATGACTACTTG-3'

ClinVar aggregate classification (germline): Uncertain significance. Review status: reviewed by expert panel (3 of 4 stars). 2 submissions from 2 submitters: Uncertain significance (1). 1 of the submissions does not count toward it. Last evaluated 2023-08-21.

Conditions:
CDH1-related diffuse gastric and lobular breast cancer syndrome. Also called: CDH1-related diffuse gastric and lobular breast cancer. Identifiers: MedGen CN311521, MONDO:0100488.

Submissions (2):

Clingen Gastric Cancer Variant Curation Expert Panel
Classification: Uncertain significance for CDH1-related diffuse gastric and lobular breast cancer syndrome. Last evaluated: 2023-08-21. Review status: reviewed by expert panel. Criteria: ClinGen CDH1 ACMG Specifications V3.1. Collection method: curation. Allele origin: germline. Inheritance: Autosomal dominant inheritance.
Comment: The c.2526del (p.Ala843LeufsTer3) variant results in a premature stop codon that leads to a truncated protein. It is located within the nonsense mediated decay resistant zone, and downstream of codon 836 where the most 3' pathogenic variant in CDH1 terminates (PVS1_Moderate, PMID: 29798843). This variant is absent in the gnomAD cohort (PM2_Supporting). One family meets the HDGC criteria (PS4_Supporting; Internal lab contributor). In summary, the clinical significance of this variant is uncertain based on the ACMG/AMP criteria applied as specified by the CDH1 Variant Curation Expert Panel (Variant Interpretation Guidelines Version 3.1): PVS1_Moderate, PM2_Supporting, PS4_Supporting. This VUS variant is trending to the pathogenic side. The CDH1 VCEP will re-evaluate it, if more evidence emerge in the future.

Department of Clinical Genetics, Copenhagen University Hospital, Rigshospitalet
Classification: Uncertain significance for CDH1-related diffuse gastric and lobular breast cancer syndrome. Last evaluated: 2024-06-19. Review status: criteria provided, single submitter. Criteria: ACMG Guidelines, 2015. Collection method: clinical testing. Allele origin: germline. Affected: yes. Not counted in ClinVar's aggregate classification.
Comment: The following ACMG criteria is used: PM2_Supporting (not reported in gnomAD); PVS1_Moderate; PS4_Supporting; PM5_Supporting